The following is an entry in ClinVar:

ClinVar aggregate classification (germline): Likely benign. Review status: criteria provided, single submitter (1 of 4 stars). 2 submissions from 2 submitters: Likely benign (1). 1 of the submissions does not count toward it. Last evaluated 2025-08-24.

Conditions:
RFWD3-related disorder. Also called: RFWD3-related condition.

Allele frequency attached by ClinVar (database versions not stated): ExAC 0.00003; gnomAD exomes 0.00005; TOPMed 0.00004; ESP Exome Variant Server 0.00015.
gnomAD v4.1: 81 of 1,613,814 alleles (0.005%); highest among the groups gnomAD compares: Middle Eastern, 0.016%; no homozygotes.

Submissions (2):

Labcorp Genetics (formerly Invitae), Labcorp
Classification: Likely benign. Last evaluated: 2025-08-24. Review status: criteria provided, single submitter. Criteria: Invitae Variant Classification Sherloc (09022015). Collection method: clinical testing. Allele origin: germline.

PreventionGenetics, part of Exact Sciences
Classification: Likely benign for RFWD3-related condition. Last evaluated: 2024-04-23. Review status: no assertion criteria provided. Collection method: clinical testing. Allele origin: germline. Not counted in ClinVar's aggregate classification.
Comment: This variant is classified as likely benign based on ACMG/AMP sequence variant interpretation guidelines (Richards et al. 2015 PMID: 25741868, with internal and published modifications).

NM_018124.4(RFWD3):c.2226C>T (p.Thr742=)

Gene: RFWD3 (ring finger and WD repeat domain 3; minus strand). Cytogenetic location: 16q23.1.
Variant type: single nucleotide variant.
Coding change: c.2226C>T on transcript NM_018124.4 (MANE Select); coding-DNA position 2226, C replaced by T.
Protein change: p.Thr742=; no amino-acid change (threonine 742 retained).
Molecular consequence: synonymous variant.
Genome position (GRCh38, 1-based): chr16:74,624,027, G>A on the plus strand (C>T on the coding strand, the complement: RFWD3 is on the minus strand). VCF-style: chr16-74624027-G-A. GRCh37 (hg19) VCF-style: chr16-74657925-G-A.
Other names: c.2226C>T (NM_018124.3); c.2226C>T, p.Thr742= (NM_001370534.1, NM_001370535.1); c.2049C>T, p.Thr683= (NM_001370536.1); c.1392C>T, p.Thr464= (NM_001370537.1, NM_001370539.1, NM_001370540.1 and 3 more transcripts).
Identifiers: ClinVar variation 3015450 (VCV003015450.4), dbSNP rs145714627, ClinGen allele CA8168940.
Genomic context (GRCh38, chr16:74,624,027, plus strand): 5'-GGTAGCCAAGTAGCTGTTACGGTTCACCTCAAATGGGCAGATGTCCAACACAGGCTGATC[G>A]GTCTGTAGGTCCTGGAGCAACGAGCCACTGGCAGCATCCCACAGCTAAAGAACACAAGCA-3'
Protein context (NP_060594.3, residues 732-752): ASGSLLQDLQ[Thr742=]DQPVLDICPF